The following is an entry in ClinVar:

ClinVar aggregate classification (germline): Uncertain significance. Review status: criteria provided, multiple submitters, no conflicts (2 of 4 stars). 3 submissions from 3 submitters: Uncertain significance (3). Last evaluated 2025-11-10.

Conditions:
MEGF8-related Carpenter syndrome. Also called: Carpenter syndrome 2. Identifiers: Orphanet 65759, MedGen C3554247, MONDO:0013998, OMIM 614976.

Allele frequency attached by ClinVar (database versions not stated): gnomAD exomes 0.00022 and 0.00058; ExAC 0.00023; TOPMed 0.00026; gnomAD 0.00029 and 0.00031; ESP Exome Variant Server 0.00048.
gnomAD v4.1: 879 of 1,608,380 alleles (0.055%); highest among the groups gnomAD compares: Non-Finnish European, 0.071%; 1 homozygote.

Submissions (3):

Labcorp Genetics (formerly Invitae), Labcorp
Classification: Uncertain significance for MEGF8-related Carpenter syndrome. Last evaluated: 2025-11-10. Review status: criteria provided, single submitter. Criteria: Invitae Variant Classification Sherloc (09022015). Collection method: clinical testing. Allele origin: germline.
Comment: This sequence change replaces valine, which is neutral and non-polar, with methionine, which is neutral and non-polar, at codon 342 of the MEGF8 protein (p.Val342Met). This variant is present in population databases (rs372990477, gnomAD 0.04%). This variant has not been reported in the literature in individuals affected with MEGF8-related conditions. ClinVar contains an entry for this variant (Variation ID: 575246). An algorithm developed to predict the effect of missense changes on protein structure and function (PolyPhen-2) suggests that this variant is likely to be disruptive. In summary, the available evidence is currently insufficient to determine the role of this variant in disease. Therefore, it has been classified as a Variant of Uncertain Significance.

GeneDx
Classification: Uncertain significance. Last evaluated: 2023-08-04. Review status: criteria provided, single submitter. Criteria: GeneDx Variant Classification Process June 2021. Collection method: clinical testing. Allele origin: germline. Affected: yes.
Comment: In silico analysis supports that this missense variant does not alter protein structure/function; Has not been previously published as pathogenic or benign to our knowledge

Breakthrough Genomics
Classification: Uncertain significance. Review status: criteria provided, single submitter. Criteria: ACMG Guidelines, 2015. Collection method: not provided. Allele origin: germline. Inheritance: Autosomal dominant inheritance. Affected: yes.

NM_001271938.2(MEGF8):c.1024G>A (p.Val342Met)

Gene: MEGF8 (multiple EGF like domains 8; plus strand). Cytogenetic location: 19q13.2.
Variant type: single nucleotide variant.
Coding change: c.1024G>A on transcript NM_001271938.2 (MANE Select); coding-DNA position 1024, G replaced by A.
Protein change: p.Val342Met; replaces valine 342 with methionine.
Molecular consequence: missense variant.
Genome position (GRCh38, 1-based): chr19:42,336,126, G>A. VCF-style: chr19-42336126-G-A. GRCh37 (hg19) VCF-style: chr19-42840278-G-A.
Other names: c.1024G>A, p.Val342Met (NM_001410.3); short protein forms V342M.
Identifiers: ClinVar variation 575246 (VCV000575246.7), dbSNP rs372990477, ClinGen allele CA9474325.